The following is an entry in ClinVar:

ClinVar aggregate classification (germline): Uncertain significance. Review status: criteria provided, multiple submitters, no conflicts (2 of 4 stars). 2 submissions from 2 submitters: Uncertain significance (2). Last evaluated 2025-11-23.

Conditions:
Hereditary cancer-predisposing syndrome. Also called: Tumor predisposition; Hereditary neoplastic syndrome; Neoplastic Syndromes, Hereditary; Hereditary Cancer Syndrome. Identifiers: Orphanet 140162, MedGen C0027672, MeSH D009386, MONDO:0015356.

Allele frequency attached by ClinVar (database versions not stated): gnomAD 0.00001; TOPMed 0.00001.
gnomAD v4.1: 3 of 1,613,252 alleles (0.00019%); highest among the groups gnomAD compares: African/African-American, 0.004%; no homozygotes.

Submissions (2):

Labcorp Genetics (formerly Invitae), Labcorp
Classification: Uncertain significance. Last evaluated: 2025-11-23. Review status: criteria provided, single submitter. Criteria: Invitae Variant Classification Sherloc (09022015). Collection method: clinical testing. Allele origin: germline.
Comment: This sequence change replaces asparagine, which is neutral and polar, with lysine, which is basic and polar, at codon 861 of the MSH3 protein (p.Asn861Lys). This variant is present in population databases (no rsID available, gnomAD 0.01%). This variant has not been reported in the literature in individuals affected with MSH3-related conditions. ClinVar contains an entry for this variant (Variation ID: 665206). An algorithm developed to predict the effect of missense changes on protein structure and function (PolyPhen-2) suggests that this variant is likely to be tolerated. In summary, the available evidence is currently insufficient to determine the role of this variant in disease. Therefore, it has been classified as a Variant of Uncertain Significance.

Ambry Genetics
Classification: Uncertain significance for Hereditary cancer-predisposing syndrome. Last evaluated: 2024-12-19. Review status: criteria provided, single submitter. Criteria: Ambry Variant Classification Scheme 2023. Collection method: clinical testing. Allele origin: germline.
Comment: The p.N861K variant (also known as c.2583T>A), located in coding exon 19 of the MSH3 gene, results from a T to A substitution at nucleotide position 2583. The asparagine at codon 861 is replaced by lysine, an amino acid with similar properties. This amino acid position is well conserved in available vertebrate species. In addition, this alteration is predicted to be tolerated by in silico analysis. Based on the available evidence, the clinical significance of this variant remains unclear.

NM_002439.5(MSH3):c.2583T>A (p.Asn861Lys)

Gene: MSH3 (mutS homolog 3; plus strand). Cytogenetic location: 5q14.1.
Variant type: single nucleotide variant.
Coding change: c.2583T>A on transcript NM_002439.5 (MANE Select); coding-DNA position 2583, T replaced by A.
Protein change: p.Asn861Lys; replaces asparagine 861 with lysine.
Molecular consequence: missense variant.
Genome position (GRCh38, 1-based): chr5:80,792,772, T>A. VCF-style: chr5-80792772-T-A. GRCh37 (hg19) VCF-style: chr5-80088591-T-A.
Other names: short protein forms N861K.
Identifiers: ClinVar variation 665206 (VCV000665206.11), dbSNP rs1187454624, ClinGen allele CA360272912.